The following is an entry in ClinVar:

NM_001329.4(CTBP2):c.58+11937G>A

Gene: CTBP2 (C-terminal binding protein 2; minus strand). Cytogenetic location: 10q26.13.
Variant type: single nucleotide variant.
Coding change: c.58+11937G>A on transcript NM_001329.4 (MANE Select); 11937 bases into the intron after coding-DNA position 58, G replaced by A.
Molecular consequence: intron variant. On other transcripts: missense variant (1).
Genome position (GRCh38, 1-based): chr10:125,027,060, C>T on the plus strand (G>A on the coding strand, the complement: CTBP2 is on the minus strand). VCF-style: chr10-125027060-C-T. GRCh37 (hg19) VCF-style: chr10-126715629-C-T.
Other names: c.700G>A, p.Val234Met (NM_022802.3); c.58+11937G>A (NM_001083914.3, NM_001290214.3, NM_001321012.2 and 3 more transcripts); short protein forms V234M.
Identifiers: ClinVar variation 3059060 (VCV003059060.2), dbSNP rs3781409, ClinGen allele CA5736451.
Genomic context (GRCh38, chr10:125,027,060, plus strand): 5'-TCAGGGCCCCTGGGGCCACCCCTGTGCTGCCTTCGGGGGCAGCAGCTGAACTGGGGTCCA[C>T]AACCAGGCACGTCGGGGCCACCTGTCTGGCAGGGGCAGGGTCAATGGGTCTTTCGCTGAT-3'

ClinVar aggregate classification (germline): Benign (0 of 4 stars; one submission).

Conditions:
CTBP2-related disorder. Also called: CTBP2-related condition.

Allele frequency attached by ClinVar (database versions not stated): 1000 Genomes Project 30x 0.20128; 1000 Genomes Project 0.20168; gnomAD 0.21508; ESP Exome Variant Server 0.21693; TOPMed 0.21999; ExAC 0.23983; gnomAD exomes 0.25946.
gnomAD v4.1: 411,201 of 1,613,106 alleles (25%); highest among the groups gnomAD compares: East Asian, 29%; 53,878 homozygotes.

Submission:

PreventionGenetics, part of Exact Sciences
Classification: Benign for CTBP2-related condition. Last evaluated: 2019-10-28. Review status: no assertion criteria provided. Collection method: clinical testing. Allele origin: germline.
Comment: This variant is classified as benign based on ACMG/AMP sequence variant interpretation guidelines (Richards et al. 2015 PMID: 25741868, with internal and published modifications).